The following is an entry in ClinVar:

ClinVar aggregate classification (germline): Likely pathogenic (1 of 4 stars; one submission).

Conditions:
Intellectual developmental disorder, autosomal dominant 6, with or without seizures. Also called: GRIN2B-related developmental delay, intellectual disability and autism spectrum disorder; Intellectual disability, autosomal dominant 6. Identifiers: Orphanet 589547, MedGen C3151411, MONDO:0013509, OMIM 613970.

Submission:

Institute of Human Genetics, University of Leipzig Medical Center
Classification: Likely pathogenic for Intellectual developmental disorder, autosomal dominant 6, with or without seizures. Last evaluated: 2017-04-04. Review status: criteria provided, single submitter. Criteria: ACMG Guidelines, 2015. Collection method: clinical testing. Allele origin: de novo. Affected: yes.
Comment: This variant was identified as de novo (maternity and paternity confirmed).

Literature cited by the submitters: PubMed 28377535.

NM_000834.5(GRIN2B):c.1963A>T (p.Ile655Phe)

Gene: GRIN2B (glutamate ionotropic receptor NMDA type subunit 2B; minus strand). Cytogenetic location: 12p13.1.
Variant type: single nucleotide variant.
Coding change: c.1963A>T on transcript NM_000834.5 (MANE Select); coding-DNA position 1963, A replaced by T.
Protein change: p.Ile655Phe; replaces isoleucine 655 with phenylalanine.
Molecular consequence: missense variant.
Genome position (GRCh38, 1-based): chr12:13,608,650, T>A on the plus strand (A>T on the coding strand, the complement: GRIN2B is on the minus strand). VCF-style: chr12-13608650-T-A. GRCh37 (hg19) VCF-style: chr12-13761584-T-A.
Other names: short protein forms I655F.
Identifiers: ClinVar variation 916612 (VCV000916612.1), dbSNP rs1949320223, ClinGen allele CA384050869.